The following is an entry in ClinVar:

NM_024422.6(DSC2):c.2609G>A (p.Gly870Asp)

Gene: DSC2 (desmocollin 2; minus strand). Cytogenetic location: 18q12.1.
Variant type: single nucleotide variant.
Coding change: c.2609G>A on transcript NM_024422.6 (MANE Select); coding-DNA position 2609, G replaced by A.
Protein change: p.Gly870Asp; replaces glycine 870 with aspartic acid.
Molecular consequence: missense variant. On other transcripts: 3 prime UTR variant (2).
Genome position (GRCh38, 1-based): chr18:31,068,112, C>T on the plus strand (G>A on the coding strand, the complement: DSC2 is on the minus strand). VCF-style: chr18-31068112-C-T. GRCh37 (hg19) VCF-style: chr18-28648078-C-T.
Other names: c.2609G>A (NM_024422.3); c.2180G>A, p.Gly727Asp (NM_001406506.1); c.*111G>A (NM_001406507.1, NM_004949.5); short protein forms G870D, G727D.
Identifiers: ClinVar variation 3015791 (VCV003015791.4), dbSNP rs1567970941, ClinGen allele CA402110413.

ClinVar aggregate classification (germline): Uncertain significance. Review status: criteria provided, multiple submitters, no conflicts (2 of 4 stars). 2 submissions from 2 submitters: Uncertain significance (2). Last evaluated 2026-03-10.

Conditions:
Arrhythmogenic right ventricular dysplasia 11. Also called: Arrhythmogenic right ventricular dysplasia 11 with mild palmoplantar keratoderma and woolly hair; Arrhythmogenic Right Ventricular Dysplasia/Cardiomyopathy11; ARRHYTHMOGENIC RIGHT VENTRICULAR DYSPLASIA, FAMILIAL, 11. Identifiers: MedGen C1864850, MONDO:0012506, OMIM 610476.

Submissions (2):

GeneDx
Classification: Uncertain significance. Last evaluated: 2026-03-10. Review status: criteria provided, single submitter. Criteria: GeneDx Variant Classification Process June 2021. Collection method: clinical testing. Allele origin: germline.
Comment: Not observed at significant frequency in large population cohorts (gnomAD); In silico analysis supports that this missense variant has a deleterious effect on protein structure/function; Has not been previously published as pathogenic or benign to our knowledge

Labcorp Genetics (formerly Invitae), Labcorp
Classification: Uncertain significance for Arrhythmogenic right ventricular dysplasia 11. Last evaluated: 2023-07-31. Review status: criteria provided, single submitter. Criteria: Invitae Variant Classification Sherloc (09022015). Collection method: clinical testing. Allele origin: germline.
Comment: An algorithm developed to predict the effect of missense changes on protein structure and function (PolyPhen-2) suggests that this variant is likely to be disruptive. In summary, the available evidence is currently insufficient to determine the role of this variant in disease. Therefore, it has been classified as a Variant of Uncertain Significance. This variant has not been reported in the literature in individuals affected with DSC2-related conditions. This variant is not present in population databases (gnomAD no frequency). This sequence change replaces glycine, which is neutral and non-polar, with aspartic acid, which is acidic and polar, at codon 870 of the DSC2 protein (p.Gly870Asp).